The following is an entry in ClinVar:

ClinVar aggregate classification (germline): Pathogenic (1 of 4 stars; one submission).

Conditions:
Mucopolysaccharidosis, MPS-II (MPS2). Also called: Hunter Syndrome; IDURONATE 2-SULFATASE DEFICIENCY; Mucopolysaccharidosis Type II; Mucopolysaccharidosis type 2; Attenuated MPS (subtype; formerly known as mild MPS II); Severe MPS II. Identifiers: Orphanet 580, Orphanet 79388, MedGen C0026705, MONDO:0010674, OMIM 309900.

Submission:

Laboratory of Diagnosis and Therapy of Lysosomal Disorders, University of Padova
Classification: Pathogenic for Mucopolysaccharidosis, MPS-II. Last evaluated: 2024-06-07. Review status: criteria provided, single submitter. Criteria: ACMG Guidelines, 2015. Collection method: literature only. Allele origin: germline. Affected: yes. Observed: 2 variant alleles.
Comment: Located in a mutational hot spot and/or critical functional domain (PM1_Moderate), Absent from controls (or at low frequency) in gnomAD database (PM2_Moderate), Missense variant in a gene with a low rate of benign missense variation (PP2_Supporting), Multiple lines of computational evidence support a deleterious effect (PP3_Supporting), Patient’s phenotype or family history highly specific for the disease (PP4_Strong)

Classification method: ACMG Guidelines [PMID:25741868] with modifications

Literature cited by the submitters: PubMed 25681085; PubMed 9266380.

NM_000202.8(IDS):c.1039A>C (p.Lys347Gln)

Genes: IDS (iduronate 2-sulfatase; minus strand), LOC106050102 (IDS recombination region; plus strand). Cytogenetic location: Xq28.
Variant type: single nucleotide variant.
Coding change: c.1039A>C on transcript NM_000202.8 (MANE Select); coding-DNA position 1039, A replaced by C.
Protein change: p.Lys347Gln; replaces lysine 347 with glutamine.
Molecular consequence: missense variant.
Genome position (GRCh38, 1-based): chrX:149,487,066, T>G on the plus strand (A>C on the coding strand, the complement: IDS is on the minus strand). VCF-style: chrX-149487066-T-G. GRCh37 (hg19) VCF-style: chrX-148568597-T-G.
Other names: c.769A>C, p.Lys257Gln (NM_001166550.4); short protein forms K257Q, K347Q.
Identifiers: ClinVar variation 3255941 (VCV003255941.2).
Genomic context (GRCh38, chrX:149,487,066, plus strand): 5'-TCCTTCCAGGAACATAGAATATCAGGGGAACATGGGTAGCAACATCAAAATTGCTGTATT[T>G]GGCCCATTCTCCATGTTCACCTAGAGCCCACCCTAGTTCATAAAAAGCACAGAATGACAG-3'
Protein context (NP_000193.1, residues 337-357): WALGEHGEWA[Lys347Gln]YSNFDVATHV